The following is an entry in ClinVar:

ClinVar aggregate classification (germline): Benign (1 of 4 stars; one submission).

Conditions:
Congenital hyperammonemia, type I. Also called: CPS I DEFICIENCY; Carbamoyl-phosphate synthase I deficiency; Carbamoyl phosphate synthetase 1 deficiency; Hyperammonemia due to carbamoyl phosphate synthetase 1 deficiency; CPS 1 deficiency; Carbamyl phosphate synthetase (CPS) deficiency. Identifiers: Orphanet 147, MedGen C4082171, MONDO:0009376, OMIM 237300.

Allele frequency attached by ClinVar (database versions not stated): gnomAD exomes 0.00073; 1000 Genomes Project 0.00559; 1000 Genomes Project 30x 0.00562; gnomAD 0.00583 and 0.00624; TOPMed 0.00642.
gnomAD v4.1: 1,060 of 396,674 alleles (0.27%); highest among the groups gnomAD compares: African/African-American, 2%; 12 homozygotes.

Submission:

Illumina Laboratory Services, Illumina
Classification: Benign for Congenital hyperammonemia, type I. Last evaluated: 2018-01-13. Review status: criteria provided, single submitter. Criteria: ICSL Variant Classification Criteria 13 December 2019. Collection method: clinical testing. Allele origin: germline.
Comment: This variant was observed in the ICSL laboratory as part of a predisposition screen in an ostensibly healthy population. It had not been previously curated by ICSL or reported in the Human Gene Mutation Database (HGMD: prior to June 1st, 2018), and was therefore a candidate for classification through an automated scoring system. Utilizing variant allele frequency, disease prevalence and penetrance estimates, and inheritance mode, an automated score was calculated to assess if this variant is too frequent to cause the disease. Based on the score and internal cut-off values, a variant classified as benign is not then subjected to further curation. The score for this variant resulted in a classification of benign for this disease.

NM_001875.5(CPS1):c.*314T>A

Gene: CPS1 (carbamoyl-phosphate synthase 1; plus strand). Cytogenetic location: 2q34.
Variant type: single nucleotide variant.
Coding change: c.*314T>A on transcript NM_001875.5 (MANE Select); 314 bases downstream of the stop codon, T replaced by A.
Molecular consequence: 3 prime UTR variant. On other transcripts: non-coding transcript variant (2).
Genome position (GRCh38, 1-based): chr2:210,678,299, T>A. VCF-style: chr2-210678299-T-A. GRCh37 (hg19) VCF-style: chr2-211543023-T-A.
Other names: c.*314T>A (NM_001122633.3, NM_001369256.1, NM_001369257.1).
Identifiers: ClinVar variation 898935 (VCV000898935.4), dbSNP rs115293884, ClinGen allele CA64748784.